The following is an entry in ClinVar:

ClinVar aggregate classification (germline): Conflicting classifications of pathogenicity. Review status: criteria provided, conflicting classifications (1 of 4 stars). 13 submissions from 13 submitters: Uncertain significance (1); Benign (1); Likely benign (9). 2 of the submissions do not count toward it. Last evaluated 2026-02-03.

Conditions:
BRCA1-related disorder. Also called: BRCA1-related condition.
Hereditary breast ovarian cancer syndrome. Also called: Breast and ovarian cancer; Hereditary breast and ovarian cancer; Hereditary breast and ovarian cancer syndrome; Hereditary breast and/or ovarian cancer syndrome; BRCA1- and BRCA2-Associated Hereditary Breast and Ovarian Cancer; Hereditary breast and ovarian cancer syndrome (HBOC). Identifiers: Orphanet 145, MedGen C0677776, MeSH D061325, MONDO:0003582. Disease mechanism: loss of function.
Breast-ovarian cancer, familial, susceptibility to, 1 (BROVCA1). Also called: BRCA1 Hereditary Breast and Ovarian Cancer; OVARIAN CANCER, SUSCEPTIBILITY TO. Identifiers: Orphanet 145, MedGen C2676676, MONDO:0011450, OMIM 604370. Disease mechanism: loss of function.
Familial cancer of breast. Also called: BREAST CANCER, FAMILIAL; hereditary breast carcinoma; Hereditary breast cancer. Identifiers: Orphanet 227535, MedGen C0346153, MONDO:0016419, OMIM 114480. Disease mechanism: loss of function.
Fanconi anemia, complementation group S (FANCS). Identifiers: MedGen C4554406, MONDO:0054748, OMIM 617883.
Hereditary cancer-predisposing syndrome. Also called: Tumor predisposition; Hereditary Cancer Syndrome; Neoplastic Syndromes, Hereditary; Hereditary neoplastic syndrome. Identifiers: Orphanet 140162, MedGen C0027672, MeSH D009386, MONDO:0015356.

Allele frequency attached by ClinVar (database versions not stated): TOPMed below 0.00001; gnomAD 0.00001 and 0.00002; gnomAD exomes 0.00001.

Submissions (13):

Labcorp Genetics (formerly Invitae), Labcorp
Classification: Likely benign for Hereditary breast ovarian cancer syndrome. Last evaluated: 2026-02-03. Review status: criteria provided, single submitter. Criteria: Invitae Variant Classification Sherloc (09022015). Collection method: clinical testing. Allele origin: germline.

Center for Genomic Medicine, Rigshospitalet, Copenhagen University Hospital
Classification: Likely benign. Last evaluated: 2025-12-29. Review status: criteria provided, single submitter. Criteria: ACMG Guidelines, 2015. Collection method: clinical testing. Allele origin: germline.

Quest Diagnostics Nichols Institute San Juan Capistrano
Classification: Likely benign. Last evaluated: 2025-05-09. Review status: criteria provided, single submitter. Criteria: Quest Diagnostics criteria. Collection method: clinical testing. Allele origin: unknown.

All of Us Research Program, National Institutes of Health
Classification: Likely benign for Breast-ovarian cancer, familial, susceptibility to, 1. Last evaluated: 2024-02-05. Review status: criteria provided, single submitter. Criteria: ACMG Guidelines, 2015. Collection method: clinical testing. Allele origin: germline. Inheritance: Autosomal dominant inheritance. Observed: 6 variant alleles, 6 heterozygotes.
Comment: This study involves interpretation of variants in research participants for the purpose of population health screening. Participant phenotype was not available at the time of variant classification. Additional details can be found in publication PMID: 35346344, PMCID: PMC8962531

Women's Health and Genetics/Laboratory Corporation of America, LabCorp
Classification: Benign. Last evaluated: 2022-04-06. Review status: criteria provided, single submitter. Criteria: LabCorp Variant Classification Summary - May 2015. Collection method: clinical testing. Allele origin: germline.
Comment: Variant summary: BRCA1 c.4485-10A>G alters a non-conserved nucleotide located close to a canonical splice site and therefore could affect mRNA splicing, leading to a significantly altered protein sequence. 4/4 computational tools predict no significant impact on normal splicing. This is supported by functional studies that report no impact of this variant on mRNA splicing and no abnormal transcripts detected by in vitro RNA analysis (Montalban_2019). The variant allele was found at a frequency of 1.2e-05 in 250790 control chromosomes. The available data on variant occurrences in the general population are insufficient to allow any conclusion about variant significance. c.4485-10A>G has been reported in the literature in one study reporting the mutational spectrum of BRCA1 and BRCA2 genes among hereditary breast cancer families in Chile (Alvarez_2017). This report does not provide unequivocal conclusions about association of the variant with Hereditary Breast And Ovarian Cancer Syndrome. To our knowledge, no experimental evidence demonstrating an impact on protein function has been reported. Six clinical diagnostic laboratories have submitted clinical-significance assessments for this variant to ClinVar after 2014 without evidence for independent evaluation. All laboratories classified the variant as benign (n=1)/likely benign (n=5). Based on the evidence outlined above reflecting the emerging consensus, the variant was classified as benign.

Department of Pathology and Laboratory Medicine, Sinai Health System
Classification: Likely benign for Familial cancer of breast; Breast-ovarian cancer, familial, susceptibility to, 1; Fanconi anemia, complementation group S. Last evaluated: 2021-10-25. Review status: criteria provided, single submitter. Criteria: ACMG Guidelines, 2015. Collection method: clinical testing. Allele origin: germline. Affected: yes.

Sema4
Classification: Likely benign for Hereditary cancer-predisposing syndrome. Last evaluated: 2021-08-18. Review status: criteria provided, single submitter. Criteria: Sema4 Curation Guidelines. Collection method: curation. Allele origin: germline.

GeneDx
Classification: Likely benign. Last evaluated: 2021-05-04. Review status: criteria provided, single submitter. Criteria: GeneDx Variant Classification Process June 2021. Collection method: clinical testing. Allele origin: germline. Affected: yes.

Mendelics
Classification: Likely benign for Breast-ovarian cancer, familial, susceptibility to, 1. Last evaluated: 2019-05-28. Review status: criteria provided, single submitter. Criteria: Mendelics Assertion Criteria 2017. Collection method: clinical testing. Allele origin: unknown.

Color Diagnostics, LLC DBA Color Health
Classification: Likely benign for Hereditary cancer-predisposing syndrome. Last evaluated: 2016-07-11. Review status: criteria provided, single submitter. Criteria: ACMG Guidelines, 2015. Collection method: clinical testing. Allele origin: germline.

Liquid Biopsy and Cancer Interception Group, Pfizer-University of Granada-Junta de Andalucía Centre for Genomics and Oncological Research
Classification: Uncertain significance for Familial cancer of breast. Review status: criteria provided, single submitter. Criteria: ACMG Guidelines, 2015. Collection method: clinical testing. Allele origin: germline. Affected: no. Observed: 1 variant allele.

PreventionGenetics, part of Exact Sciences
Classification: Likely benign for BRCA1-related condition. Last evaluated: 2023-05-17. Review status: no assertion criteria provided. Collection method: clinical testing. Allele origin: germline. Not counted in ClinVar's aggregate classification.
Comment: This variant is classified as likely benign based on ACMG/AMP sequence variant interpretation guidelines (Richards et al. 2015 PMID: 25741868, with internal and published modifications).

Hereditary Cancer Genetics group, Vall d'Hebron Institute of Oncology
Classification: Benign for Hereditary breast and ovarian cancer syndrome. Last evaluated: 2019-03-01. Review status: no assertion criteria provided. Collection method: research. Allele origin: germline. Affected: yes. Not counted in ClinVar's aggregate classification.

Literature cited by the submitters: PubMed 34981296 (cited by Quest Diagnostics Nichols Institute San Juan Capistrano); PubMed 31343793 (cited by Quest Diagnostics Nichols Institute San Juan Capistrano and Women's Health and Genetics/Laboratory Corporation of America, LabCorp); PubMed 29088781 (cited by 3 submitters); PubMed 30472649 (cited by Hereditary Cancer Genetics group, Vall d'Hebron Institute of Oncology).

NM_007294.4(BRCA1):c.4485-10A>G

Gene: BRCA1 (BRCA1 DNA repair associated; minus strand). Cytogenetic location: 17q21.31.
Variant type: single nucleotide variant.
Coding change: c.4485-10A>G on transcript NM_007294.4 (MANE Select); 10 bases into the intron before coding-DNA position 4485, A replaced by G.
Molecular consequence: intron variant.
Genome position (GRCh38, 1-based): chr17:43,074,531, T>C on the plus strand (A>G on the coding strand, the complement: BRCA1 is on the minus strand). VCF-style: chr17-43074531-T-C. GRCh37 (hg19) VCF-style: chr17-41226548-T-C.
Other names: c.1032-10A>G (NM_001408463.1, NM_001408462.1, NM_001408458.1 and 7 more transcripts); c.4338-10A>G (NM_001407847.1, NM_001407841.1, NM_001407838.1 and 12 more transcripts); c.4341-10A>G (NM_001407740.1, NM_001407739.1, NM_001407741.1 and 21 more transcripts); c.912-10A>G (NM_001408499.1, NM_001408498.1, NM_001408501.1 and 3 more transcripts); c.4218-10A>G (NM_001407933.1, NM_001407927.1, NM_001407931.1 and 4 more transcripts); c.4221-10A>G (NM_001407923.1, NM_001407922.1, NM_001407925.1 and 4 more transcripts); c.4344-10A>G (NM_001407725.1, NM_001407727.1, NM_001407724.1 and 13 more transcripts); c.1056-10A>G (NM_001408422.1, NM_001408423.1, NM_001408421.1 and 1 more transcripts); and 71 more.
Identifiers: ClinVar variation 215874 (VCV000215874.32), dbSNP rs863224420, ClinGen allele CA337423.